The following is an entry in ClinVar:

ClinVar aggregate classification (germline): Likely pathogenic (1 of 4 stars; one submission).

Conditions:
Stickler syndrome type 1 (STL1). Also called: ARTHROOPHTHALMOPATHY, HEREDITARY PROGRESSIVE; COL2A1-Related Stickler Syndrome; STICKLER SYNDROME, MEMBRANOUS VITREOUS TYPE; STICKLER SYNDROME, VITREOUS TYPE 1. Identifiers: Orphanet 828, Orphanet 90653, MedGen C2020284, MONDO:0007160, OMIM 108300.

Submission:

Greenwood Genetic Center Diagnostic Laboratories, Greenwood Genetic Center
Classification: Likely pathogenic for Stickler syndrome type 1. Last evaluated: 2021-12-29. Review status: criteria provided, single submitter. Criteria: ACMG Guidelines, 2015. Collection method: clinical testing. Allele origin: germline. Affected: yes.
Comment: PVS1_Supporting, PP3, PM2, PM4

NM_001844.5(COL2A1):c.2625+1del

Gene: COL2A1 (collagen type II alpha 1 chain; minus strand). Cytogenetic location: 12q13.11.
Variant type: Deletion.
Coding change: c.2625+1del on transcript NM_001844.5 (MANE Select); the canonical splice donor site of the intron after coding-DNA position 2625, one base deleted (G; older notation c.2625+1delG).
Molecular consequence: splice donor variant.
Genome position (GRCh38, 1-based): chr12:47,980,553, C deleted on the plus strand (G on the coding strand, the reverse complement: COL2A1 is on the minus strand); the first of 2 consecutive C bases (chr12:47,980,553-47,980,554); deleting either gives the same sequence. VCF-style (leftmost placement, unchanged base first): chr12-47980552-AC-A. GRCh37 (hg19) VCF-style: chr12-48374335-AC-A.
Other names: c.2418+1del (NM_033150.3).
Identifiers: ClinVar variation 1334729 (VCV001334729.4), dbSNP rs2136537220, ClinGen allele CA2573053664.